The following is an entry in ClinVar:

NM_024675.4(PALB2):c.1909C>T (p.Pro637Ser)

Gene: PALB2 (partner and localizer of BRCA2; minus strand). Cytogenetic location: 16p12.2.
Variant type: single nucleotide variant.
Coding change: c.1909C>T on transcript NM_024675.4 (MANE Select); coding-DNA position 1909, C replaced by T.
Protein change: p.Pro637Ser; replaces proline 637 with serine.
Molecular consequence: missense variant.
Genome position (GRCh38, 1-based): chr16:23,630,245, G>A on the plus strand (C>T on the coding strand, the complement: PALB2 is on the minus strand). VCF-style: chr16-23630245-G-A. GRCh37 (hg19) VCF-style: chr16-23641566-G-A.
Other names: short protein forms P637S.
Identifiers: ClinVar variation 619707 (VCV000619707.23), dbSNP rs768248338, ClinGen allele CA395127547.

ClinVar aggregate classification (germline): Uncertain significance. Review status: criteria provided, multiple submitters, no conflicts (2 of 4 stars). 5 submissions from 5 submitters: Uncertain significance (5). Last evaluated 2025-07-19.

Conditions:
Hereditary cancer-predisposing syndrome. Also called: Neoplastic Syndromes, Hereditary; Hereditary neoplastic syndrome; Tumor predisposition; Hereditary Cancer Syndrome. Identifiers: Orphanet 140162, MedGen C0027672, MeSH D009386, MONDO:0015356.
Familial cancer of breast. Also called: hereditary breast carcinoma; Hereditary breast cancer; BREAST CANCER, FAMILIAL. Identifiers: Orphanet 227535, MedGen C0346153, MONDO:0016419, OMIM 114480. Disease mechanism: loss of function.

Allele frequency attached by ClinVar (database versions not stated): gnomAD 0.00001.
gnomAD v4.1: 1 of 1,613,938 alleles (0.000062%); highest among the groups gnomAD compares: African/African-American, 0.0013%; no homozygotes.

Submissions (5):

Ambry Genetics
Classification: Uncertain significance for Hereditary cancer-predisposing syndrome. Last evaluated: 2025-07-19. Review status: criteria provided, single submitter. Criteria: Ambry Variant Classification Scheme 2023. Collection method: clinical testing. Allele origin: germline.
Comment: The p.P637S variant (also known as c.1909C>T), located in coding exon 5 of the PALB2 gene, results from a C to T substitution at nucleotide position 1909. The proline at codon 637 is replaced by serine, an amino acid with similar properties. This amino acid position is not well conserved in available vertebrate species. In addition, this alteration is predicted to be tolerated by in silico analysis. Since supporting evidence is limited at this time, the clinical significance of this alteration remains unclear.

Women's Health and Genetics/Laboratory Corporation of America, LabCorp
Classification: Uncertain significance. Last evaluated: 2025-06-09. Review status: criteria provided, single submitter. Criteria: LabCorp Variant Classification Summary - May 2015. Collection method: clinical testing. Allele origin: germline.

Color Diagnostics, LLC DBA Color Health
Classification: Uncertain significance for Hereditary cancer-predisposing syndrome. Last evaluated: 2023-02-17. Review status: criteria provided, single submitter. Criteria: ACMG Guidelines, 2015. Collection method: clinical testing. Allele origin: germline.
Comment: This missense variant replaces proline with serine at codon 637 of the PALB2 protein. Computational prediction suggests that this variant may not impact protein structure and function (internally defined REVEL score threshold <= 0.5, PMID: 27666373). To our knowledge, functional studies have not been reported for this variant. This variant has not been reported in individuals affected with PALB2-related disorders in the literature. This variant has not been identified in the general population by the Genome Aggregation Database (gnomAD). The available evidence is insufficient to determine the role of this variant in disease conclusively. Therefore, this variant is classified as a Variant of Uncertain Significance.

Labcorp Genetics (formerly Invitae), Labcorp
Classification: Uncertain significance for Familial cancer of breast. Last evaluated: 2020-12-20. Review status: criteria provided, single submitter. Criteria: Invitae Variant Classification Sherloc (09022015). Collection method: clinical testing. Allele origin: germline.
Comment: In summary, the available evidence is currently insufficient to determine the role of this variant in disease. Therefore, it has been classified as a Variant of Uncertain Significance. Algorithms developed to predict the effect of missense changes on protein structure and function output the following: SIFT: "Tolerated"; PolyPhen-2: "Benign"; Align-GVGD: "Class C0". The serine amino acid residue is found in multiple mammalian species, suggesting that this missense change does not adversely affect protein function. These predictions have not been confirmed by published functional studies and their clinical significance is uncertain. This variant has not been reported in the literature in individuals with PALB2-related conditions. ClinVar contains an entry for this variant (Variation ID: 619707). This variant is not present in population databases (ExAC no frequency). This sequence change replaces proline with serine at codon 637 of the PALB2 protein (p.Pro637Ser). The proline residue is moderately conserved and there is a moderate physicochemical difference between proline and serine.

Quest Diagnostics Nichols Institute San Juan Capistrano
Classification: Uncertain significance. Last evaluated: 2018-03-13. Review status: criteria provided, single submitter. Criteria: Quest Diagnostics criteria. Collection method: clinical testing. Allele origin: unknown.
Comment: This variant has not been reported in individuals with PALB2-related conditions in the published literature. The frequency of this variant in the general population, 0.0000066 (1/152066 chromosomes (Genome Aggregation Database)), is uninformative in the assessment of its pathogenicity. Analysis of this variant using bioinformatics tools for the prediction of the effect of amino acid changes on protein structure and function yielded predictions that this variant is benign. Based on the available information, we are unable to determine the clinical significance of this variant.